The following is an entry in ClinVar:

ClinVar aggregate classification (germline): Likely pathogenic (1 of 4 stars; one submission).

Conditions:
Dilated cardiomyopathy 1G (CMD1G). Identifiers: Orphanet 154, MedGen C1858763, MONDO:0011400, OMIM 604145.
Autosomal recessive limb-girdle muscular dystrophy type 2J (LGMDR10). Also called: MUSCULAR DYSTROPHY, LIMB-GIRDLE, AUTOSOMAL RECESSIVE 10; Limb-girdle muscular dystrophy, type 2J. Identifiers: Orphanet 140922, MedGen C1837342, MONDO:0012127, OMIM 608807.

Submission:

Labcorp Genetics (formerly Invitae), Labcorp
Classification: Likely pathogenic for Dilated cardiomyopathy 1G; Autosomal recessive limb-girdle muscular dystrophy type 2J. Last evaluated: 2024-10-18. Review status: criteria provided, single submitter. Criteria: Invitae Variant Classification Sherloc (09022015). Collection method: clinical testing. Allele origin: germline.
Comment: This sequence change creates a premature translational stop signal (p.Ile207Leufs*31) in the TTN gene. While this is not anticipated to result in nonsense mediated decay, it is expected to create a truncated TTN protein. This variant is not present in population databases (gnomAD no frequency). This variant has not been reported in the literature in individuals affected with TTN-related conditions. ClinVar contains an entry for this variant (Variation ID: 1473509). This variant is located in the Z band of TTN (PMID: 25589632). Truncating variants in this region have been reported in individuals affected with autosomal recessive centronuclear myopathy (PMID: 33449170, internal data). Truncating variants in this region have also been identified in individuals affected with autosomal dominant dilated cardiomyopathy and/or cardio-related conditions (PMID: 27869827, 32964742, internal data). In summary, the currently available evidence indicates that the variant is pathogenic, but additional data are needed to prove that conclusively. Therefore, this variant has been classified as Likely Pathogenic.

Literature cited by the submitters: PubMed 25589632; PubMed 33449170; PubMed 27869827; PubMed 32964742.

NM_001267550.2(TTN):c.618_630del (p.Ile207fs)

Gene: TTN (titin; minus strand). Cytogenetic location: 2q31.2.
Variant type: Deletion.
Coding change: c.618_630del on transcript NM_001267550.2 (MANE Select); coding-DNA positions 618 to 630, 13 bases deleted (AATTGTTTCGACT).
Protein change: p.Ile207fs; shifts the reading frame from isoleucine 207.
Molecular consequence: frameshift variant.
Genome position (GRCh38, 1-based): chr2:178,799,864-178,799,876, AGTCGAAACAATT deleted on the plus strand (AATTGTTTCGACT on the coding strand, the reverse complement: TTN is on the minus strand). VCF-style (leftmost placement, unchanged base first): chr2-178799863-CAGTCGAAACAATT-C. GRCh37 (hg19) VCF-style: chr2-179664590-CAGTCGAAACAATT-C.
Other names: c.618_630del, p.Ile207fs (NM_001256850.1, NM_003319.4, NM_133378.4 and 3 more transcripts); short protein forms I207fs.
Identifiers: ClinVar variation 1473509 (VCV001473509.8), dbSNP rs2154358671, ClinGen allele CA2573134013.